The following is an entry in ClinVar:

ClinVar aggregate classification (germline): Conflicting classifications of pathogenicity. Review status: criteria provided, conflicting classifications (1 of 4 stars). 3 submissions from 3 submitters: Uncertain significance (1); Likely benign (1). 1 of the submissions does not count toward it. Last evaluated 2025-12-15.

Conditions:
Inborn genetic diseases. Identifiers: MedGen C0950123, MeSH D030342.
IFT172-related disorder. Also called: IFT172-related disorders; IFT172-related condition.
Short-rib thoracic dysplasia 10 with or without polydactyly (SRTD10). Identifiers: Orphanet 474, MedGen C3810175, MONDO:0014284, OMIM 615630.
Retinitis pigmentosa 71 (RP71). Identifiers: Orphanet 791, MedGen C4225342, MONDO:0014618, OMIM 616394.

Allele frequency attached by ClinVar (database versions not stated): ExAC 0.00005; gnomAD 0.00001; TOPMed 0.00001; gnomAD exomes 0.00002 and 0.00006.
gnomAD v4.1: 32 of 1,613,798 alleles (0.002%); highest among the groups gnomAD compares: East Asian, 0.022%; no homozygotes.

Submissions (3):

Labcorp Genetics (formerly Invitae), Labcorp
Classification: Likely benign for Retinitis pigmentosa 71; Short-rib thoracic dysplasia 10 with or without polydactyly. Last evaluated: 2025-12-15. Review status: criteria provided, single submitter. Criteria: Invitae Variant Classification Sherloc (09022015). Collection method: clinical testing. Allele origin: germline.

Ambry Genetics
Classification: Uncertain significance for Inborn genetic diseases. Last evaluated: 2021-07-14. Review status: criteria provided, single submitter. Criteria: Ambry Variant Classification Scheme 2023. Collection method: clinical testing. Allele origin: germline.

PreventionGenetics, part of Exact Sciences
Classification: Uncertain significance for IFT172-related condition. Last evaluated: 2024-05-14. Review status: no assertion criteria provided. Collection method: clinical testing. Allele origin: germline. Not counted in ClinVar's aggregate classification.
Comment: The IFT172 c.1628G>A variant is predicted to result in the amino acid substitution p.Arg543Gln. To our knowledge, this variant has not been reported in the literature. This variant is reported in 0.023% of alleles in individuals of South Asian descent in gnomAD. At this time, the clinical significance of this variant is uncertain due to the absence of conclusive functional and genetic evidence.

NM_015662.3(IFT172):c.1628G>A (p.Arg543Gln)

Gene: IFT172 (intraflagellar transport 172; minus strand). Cytogenetic location: 2p23.3.
Variant type: single nucleotide variant.
Coding change: c.1628G>A on transcript NM_015662.3 (MANE Select); coding-DNA position 1628, G replaced by A.
Protein change: p.Arg543Gln; replaces arginine 543 with glutamine.
Molecular consequence: missense variant.
Genome position (GRCh38, 1-based): chr2:27,470,992, C>T on the plus strand (G>A on the coding strand, the complement: IFT172 is on the minus strand). VCF-style: chr2-27470992-C-T. GRCh37 (hg19) VCF-style: chr2-27693859-C-T.
Other names: c.1628G>A (NM_015662.1, NM_015662.2); short protein forms R543Q.
Identifiers: ClinVar variation 1062654 (VCV001062654.10), dbSNP rs755926439, ClinGen allele CA1580580.